The following is an entry in ClinVar:

ClinVar aggregate classification (germline): Likely benign (1 of 4 stars; one submission).

Conditions:
LEPR-related disorder. Also called: LEPR-related condition; LEPR-related disorders.

Submission:

PreventionGenetics, part of Exact Sciences
Classification: Likely benign for LEPR-related condition. Last evaluated: 2024-10-14. Review status: criteria provided, single submitter. Criteria: ACMG Guidelines, 2015. Collection method: clinical testing. Allele origin: germline.
Comment: This variant is classified as likely benign based on ACMG/AMP sequence variant interpretation guidelines (Richards et al. 2015 PMID: 25741868, with internal and published modifications).

NM_002303.6(LEPR):c.371-7A>C

Gene: LEPR (leptin receptor; plus strand). Cytogenetic location: 1p31.3.
Variant type: single nucleotide variant.
Coding change: c.371-7A>C on transcript NM_002303.6 (MANE Select); 7 bases into the intron before coding-DNA position 371, A replaced by C.
Molecular consequence: intron variant.
Genome position (GRCh38, 1-based): chr1:65,572,319, A>C. VCF-style: chr1-65572319-A-C. GRCh37 (hg19) VCF-style: chr1-66038002-A-C.
Other names: c.371-7A>C (NM_001003679.3, NM_001003680.3, NM_001198689.2 and 2 more transcripts).
Identifiers: ClinVar variation 4982334 (VCV004982334.1).